The following is an entry in ClinVar:

NM_007194.4(CHEK2):c.1462G>T (p.Asp488Tyr)

Gene: CHEK2 (checkpoint kinase 2; minus strand). Cytogenetic location: 22q12.1.
Variant type: single nucleotide variant.
Coding change: c.1462G>T on transcript NM_007194.4 (MANE Select); coding-DNA position 1462, G replaced by T.
Protein change: p.Asp488Tyr; replaces aspartic acid 488 with tyrosine.
Molecular consequence: missense variant.
Genome position (GRCh38, 1-based): chr22:28,689,215, C>A on the plus strand (G>T on the coding strand, the complement: CHEK2 is on the minus strand). VCF-style: chr22-28689215-C-A. GRCh37 (hg19) VCF-style: chr22-29085203-C-A.
Other names: c.1591G>T, p.Asp531Tyr (NM_001005735.3); c.799G>T, p.Asp267Tyr (NM_001257387.3); c.1261G>T, p.Asp421Tyr (NM_001349956.3); c.1375G>T, p.Asp459Tyr (NM_145862.3); short protein forms D421Y, D267Y, D459Y, D488Y, D531Y.
Identifiers: ClinVar variation 852544 (VCV000852544.9), dbSNP rs886041173, ClinGen allele CA411092768.
Genomic context (GRCh38, chr22:28,689,215, plus strand): 5'-GAGCTGTGGATTCATTTTCCTCAGACAGAAGATCTTGAAACTTTCTCTTCATGTCTTCAT[C>A]CTGTGAGGGAATTAAAAACATAAGTAGCTGTGTCTGAAGGATAATAAACTCCTAGAATGA-3'
Protein context (NP_009125.1, residues 478-498): EEALRHPWLQ[Asp488Tyr]EDMKRKFQDL

ClinVar aggregate classification (germline): Uncertain significance. Review status: criteria provided, multiple submitters, no conflicts (2 of 4 stars). 2 submissions from 2 submitters: Uncertain significance (2). Last evaluated 2025-05-19.

Conditions:
Familial cancer of breast. Also called: Hereditary breast cancer; hereditary breast carcinoma; BREAST CANCER, FAMILIAL. Identifiers: Orphanet 227535, MedGen C0346153, MONDO:0016419, OMIM 114480. Disease mechanism: loss of function.
Hereditary cancer-predisposing syndrome. Also called: Neoplastic Syndromes, Hereditary; Hereditary Cancer Syndrome; Tumor predisposition; Hereditary neoplastic syndrome. Identifiers: Orphanet 140162, MedGen C0027672, MeSH D009386, MONDO:0015356.

Submissions (2):

Ambry Genetics
Classification: Uncertain significance for Hereditary cancer-predisposing syndrome. Last evaluated: 2025-05-19. Review status: criteria provided, single submitter. Criteria: Ambry Variant Classification Scheme 2023. Collection method: clinical testing. Allele origin: germline.
Comment: The p.D488Y variant (also known as c.1462G>T) is located in coding exon 13 of the CHEK2 gene. The aspartic acid at codon 488 is replaced by tyrosine, an amino acid with highly dissimilar properties. This change occurs in the first base pair of coding exon 13. This amino acid position is conserved. In addition, the in silico prediction for this alteration is inconclusive. Based on the available evidence, the clinical significance of this variant remains unclear.

Labcorp Genetics (formerly Invitae), Labcorp
Classification: Uncertain significance for Familial cancer of breast. Last evaluated: 2022-05-24. Review status: criteria provided, single submitter. Criteria: Invitae Variant Classification Sherloc (09022015). Collection method: clinical testing. Allele origin: germline.
Comment: In summary, the available evidence is currently insufficient to determine the role of this variant in disease. Therefore, it has been classified as a Variant of Uncertain Significance. Algorithms developed to predict the effect of sequence changes on RNA splicing suggest that this variant may disrupt the consensus splice site. Algorithms developed to predict the effect of missense changes on protein structure and function are either unavailable or do not agree on the potential impact of this missense change (SIFT: "Deleterious"; PolyPhen-2: "Probably Damaging"; Align-GVGD: "Class C15"). ClinVar contains an entry for this variant (Variation ID: 852544). This variant has not been reported in the literature in individuals affected with CHEK2-related conditions. This variant is not present in population databases (gnomAD no frequency). This sequence change replaces aspartic acid, which is acidic and polar, with tyrosine, which is neutral and polar, at codon 488 of the CHEK2 protein (p.Asp488Tyr).